The following is an entry in ClinVar:

NM_004211.5(SLC6A5):c.2285T>C (p.Leu762Ser)

Gene: SLC6A5 (solute carrier family 6 member 5; plus strand). Cytogenetic location: 11p15.1.
Variant type: single nucleotide variant.
Coding change: c.2285T>C on transcript NM_004211.5 (MANE Select); coding-DNA position 2285, T replaced by C.
Protein change: p.Leu762Ser; replaces leucine 762 with serine.
Molecular consequence: missense variant.
Genome position (GRCh38, 1-based): chr11:20,654,759, T>C. VCF-style: chr11-20654759-T-C. GRCh37 (hg19) VCF-style: chr11-20676305-T-C.
Other names: c.1583T>C, p.Leu528Ser (NM_001318369.2); short protein forms L762S, L528S.
Identifiers: ClinVar variation 1962890 (VCV001962890.2), dbSNP rs764151464, ClinGen allele CA5921755.
Genomic context (GRCh38, chr11:20,654,759, plus strand): 5'-TGGCTTCTTTGCAGAGGCTGAAGTTGGTGTGCTCGCCACAGCCGGACTGGGGCCCATTCT[T>C]AGCTCAACACCGCGGGGAGCGTTACAAGAACATGATCGACCCCTTGGGAACCTCTTCCTT-3'
Protein context (NP_004202.4, residues 752-772): CSPQPDWGPF[Leu762Ser]AQHRGERYKN

ClinVar aggregate classification (germline): Uncertain significance (1 of 4 stars; one submission).

Conditions:
Hyperekplexia 3 (HKPX3). Also called: HYPEREKPLEXIA 3, AUTOSOMAL RECESSIVE; HYPEREKPLEXIA 3, AUTOSOMAL DOMINANT. Identifiers: Orphanet 3197, MedGen C3553288, MONDO:0013827, OMIM 614618.

Allele frequency attached by ClinVar (database versions not stated): gnomAD 0.00001; gnomAD exomes 0.00004; ExAC 0.00008.
gnomAD v4.1: 63 of 1,614,044 alleles (0.0039%); highest among the groups gnomAD compares: South Asian, 0.068%; 4 homozygotes.

Submission:

Labcorp Genetics (formerly Invitae), Labcorp
Classification: Uncertain significance for Hyperekplexia 3. Last evaluated: 2022-05-05. Review status: criteria provided, single submitter. Criteria: Invitae Variant Classification Sherloc (09022015). Collection method: clinical testing. Allele origin: germline.
Comment: This sequence change replaces leucine, which is neutral and non-polar, with serine, which is neutral and polar, at codon 762 of the SLC6A5 protein (p.Leu762Ser). This variant is present in population databases (rs764151464, gnomAD 0.06%). This variant has not been reported in the literature in individuals affected with SLC6A5-related conditions. Algorithms developed to predict the effect of missense changes on protein structure and function are either unavailable or do not agree on the potential impact of this missense change (SIFT: "Tolerated"; PolyPhen-2: "Possibly Damaging"; Align-GVGD: "Class C0"). In summary, the available evidence is currently insufficient to determine the role of this variant in disease. Therefore, it has been classified as a Variant of Uncertain Significance.